The following is an entry in ClinVar:

NM_139058.3(ARX):c.411A>C (p.Glu137Asp)

Genes: ARX (aristaless related homeobox; minus strand), LOC109610631 (aristaless related homeobox polyalanine expansion region; plus strand). Cytogenetic location: Xp21.3.
Variant type: single nucleotide variant.
Coding change: c.411A>C on transcript NM_139058.3 (MANE Select); coding-DNA position 411, A replaced by C.
Protein change: p.Glu137Asp; replaces glutamic acid 137 with aspartic acid.
Molecular consequence: missense variant.
Genome position (GRCh38, 1-based): chrX:25,013,584, T>G on the plus strand (A>C on the coding strand, the complement: ARX is on the minus strand). VCF-style: chrX-25013584-T-G. GRCh37 (hg19) VCF-style: chrX-25031701-T-G.
Other names: short protein forms E137D.
Identifiers: ClinVar variation 653677 (VCV000653677.6), dbSNP rs1601948681, ClinGen allele CA412613238.
Genomic context (GRCh38, chrX:25,013,584, plus strand): 5'-GTCCCAGGCCGCGGCGGCCGCGGCCGCGGCTGCCGCGGCGGCCCCTGCGCCGTCCGGCCG[T>G]TCCCCGGGCCGCGCGGTTGGCGGTGGCGGCGGAGGGGCCTCCCCGCGTGGACCCGCCGTG-3'
Protein context (NP_620689.1, residues 127-147): PPPPPTARPG[Glu137Asp]RPDGAGAAAA

ClinVar aggregate classification (germline): Uncertain significance (1 of 4 stars; one submission).

Conditions:
Developmental and epileptic encephalopathy, 1 (DEE1). Also called: X-linked infantile spasms; West's syndrome; Tonic spasms with clustering, arrest of psychomotor development and hypsarrhythmia on EEG; X-Linked Infantile Spasm Syndrome; INFANTILE SPASM SYNDROME, X-LINKED 1; Epileptic encephalopathy, early infantile, 1. Identifiers: MedGen C3463992, MONDO:0010632, OMIM 308350. Disease mechanism: loss of function.
Intellectual disability, X-linked, with or without seizures, ARX-related. Also called: MENTAL RETARDATION, X-LINKED 29; MENTAL RETARDATION, X-LINKED 32; MENTAL RETARDATION, X-LINKED 33; MENTAL RETARDATION, X-LINKED 38; MENTAL RETARDATION, X-LINKED 43; MENTAL RETARDATION, X-LINKED 76. Identifiers: Orphanet 777, MedGen C0796244, MONDO:0010317, OMIM 300419.

Submission:

Labcorp Genetics (formerly Invitae), Labcorp
Classification: Uncertain significance for Developmental and epileptic encephalopathy, 1; Intellectual disability, X-linked, with or without seizures, ARX-related. Last evaluated: 2018-10-08. Review status: criteria provided, single submitter. Criteria: Invitae Variant Classification Sherloc (09022015). Collection method: clinical testing. Allele origin: germline.
Comment: In summary, the available evidence is currently insufficient to determine the role of this variant in disease. Therefore, it has been classified as a Variant of Uncertain Significance. Algorithms developed to predict the effect of missense changes on protein structure and function output the following: SIFT: "Tolerated"; Align-GVGD: "Class C0". The aspartic acid amino acid residue is found in multiple mammalian species, suggesting that this missense change does not adversely affect protein function. These predictions have not been confirmed by published functional studies and their clinical significance is uncertain. This variant has not been reported in the literature in individuals with ARX-related disease. While this variant is not present in population databases, the frequency information is unreliable, as metrics indicate poor data quality at this position in the ExAC database. This sequence change replaces glutamic acid with aspartic acid at codon 137 of the ARX protein (p.Glu137Asp). The glutamic acid residue is weakly conserved and there is a small physicochemical difference between glutamic acid and aspartic acid.